The following is an entry in ClinVar:

NM_014915.3(ANKRD26):c.3308A>G (p.Gln1103Arg)

Gene: ANKRD26 (ankyrin repeat domain containing 26; minus strand). Cytogenetic location: 10p12.1.
Variant type: single nucleotide variant.
Coding change: c.3308A>G on transcript NM_014915.3 (MANE Select); coding-DNA position 3308, A replaced by G.
Protein change: p.Gln1103Arg; replaces glutamine 1103 with arginine.
Molecular consequence: missense variant.
Genome position (GRCh38, 1-based): chr10:27,035,142, T>C on the plus strand (A>G on the coding strand, the complement: ANKRD26 is on the minus strand). VCF-style: chr10-27035142-T-C. GRCh37 (hg19) VCF-style: chr10-27324071-T-C.
Other names: c.3305A>G, p.Gln1102Arg (NM_001256053.2); short protein forms Q1103R, Q1102R.
Identifiers: ClinVar variation 4103196 (VCV004103196.1).

ClinVar aggregate classification (germline): Uncertain significance (1 of 4 stars; one submission).

Conditions:
Inborn genetic diseases. Identifiers: MedGen C0950123, MeSH D030342.

Submission:

Ambry Genetics
Classification: Uncertain significance for Inborn genetic diseases. Last evaluated: 2025-07-01. Review status: criteria provided, single submitter. Criteria: Ambry Variant Classification Scheme 2023. Collection method: clinical testing. Allele origin: germline.
Comment: The p.Q1103R variant (also known as c.3308A>G), located in coding exon 24 of the ANKRD26 gene, results from an A to G substitution at nucleotide position 3308. The glutamine at codon 1103 is replaced by arginine, an amino acid with highly similar properties. This amino acid position is conserved. In addition, this alteration is predicted to be tolerated by in silico analysis. Based on the available evidence, the clinical significance of this variant remains unclear.